The following is an entry in ClinVar:

ClinVar aggregate classification (germline): Uncertain significance. Review status: criteria provided, multiple submitters, no conflicts (2 of 4 stars). 4 submissions from 4 submitters: Uncertain significance (4). Last evaluated 2024-11-11.

Conditions:
Catecholaminergic polymorphic ventricular tachycardia 1. Also called: RYR2-Related Catecholaminergic Polymorphic Ventricular Tachycardia; VENTRICULAR TACHYCARDIA, STRESS-INDUCED POLYMORPHIC 1; VENTRICULAR TACHYCARDIA, CATECHOLAMINERGIC POLYMORPHIC, 1, WITH OR WITHOUT ATRIAL DYSFUNCTION AND/OR DILATED CARDIOMYOPATHY. Identifiers: Orphanet 3286, MedGen C1631597, MONDO:0011484, OMIM 604772.
Cardiomyopathy (CMYO). Also called: Cardiomyopathies. Identifiers: Orphanet 167848, MedGen C0878544, MONDO:0004994, HP:0001638. Inheritance: Various modes of inheritance.
Catecholaminergic polymorphic ventricular tachycardia (CVPT). Also called: Catecholamine-induced polymorphic ventricular tachycardia. Identifiers: Orphanet 3286, MedGen C5574922, MONDO:0017990.

Allele frequency attached by ClinVar (database versions not stated): gnomAD below 0.00001 and 0.00001; gnomAD exomes below 0.00001; TOPMed 0.00001.
gnomAD v4.1: 2 of 1,611,194 alleles (0.00012%); highest among the groups gnomAD compares: South Asian, 0.0011%; no homozygotes.

Submissions (4):

Labcorp Genetics (formerly Invitae), Labcorp
Classification: Uncertain significance for Catecholaminergic polymorphic ventricular tachycardia 1. Last evaluated: 2024-11-11. Review status: criteria provided, single submitter. Criteria: Invitae Variant Classification Sherloc (09022015). Collection method: clinical testing. Allele origin: germline.
Comment: This sequence change replaces proline, which is neutral and non-polar, with leucine, which is neutral and non-polar, at codon 1535 of the RYR2 protein (p.Pro1535Leu). This variant is not present in population databases (gnomAD no frequency). This variant has not been reported in the literature in individuals affected with RYR2-related conditions. ClinVar contains an entry for this variant (Variation ID: 926940). Invitae Evidence Modeling of protein sequence and biophysical properties (such as structural, functional, and spatial information, amino acid conservation, physicochemical variation, residue mobility, and thermodynamic stability) indicates that this missense variant is not expected to disrupt RYR2 protein function with a negative predictive value of 95%. In summary, the available evidence is currently insufficient to determine the role of this variant in disease. Therefore, it has been classified as a Variant of Uncertain Significance.

Color Diagnostics, LLC DBA Color Health
Classification: Uncertain significance for Cardiomyopathy. Last evaluated: 2024-03-06. Review status: criteria provided, single submitter. Criteria: ACMG Guidelines, 2015. Collection method: clinical testing. Allele origin: germline.
Comment: This missense variant replaces proline with leucine at codon 1535 of the RYR2 protein. Computational prediction is inconclusive regarding the impact of this variant on protein structure and function (internally defined REVEL score threshold 0.5 < inconclusive < 0.7, PMID: 27666373). To our knowledge, functional studies have not been reported for this variant. This variant has not been reported in individuals affected with cardiovascular disorders in the literature. This variant has not been identified in the general population by the Genome Aggregation Database (gnomAD). The available evidence is insufficient to determine the role of this variant in disease conclusively. Therefore, this variant is classified as a Variant of Uncertain Significance.

All of Us Research Program, National Institutes of Health
Classification: Uncertain significance for Catecholaminergic polymorphic ventricular tachycardia. Last evaluated: 2023-11-30. Review status: criteria provided, single submitter. Criteria: ACMG Guidelines, 2015. Collection method: clinical testing. Allele origin: germline. Inheritance: Autosomal dominant inheritance. Observed: 2 variant alleles, 2 heterozygotes.
Comment: This missense variant replaces proline with leucine at codon 1535 of the RYR2 protein. Computational prediction is inconclusive regarding the impact of this variant on protein structure and function (internally defined REVEL score threshold 0.5 < inconclusive < 0.7, PMID: 27666373). To our knowledge, functional studies have not been reported for this variant. This variant has not been reported in individuals affected with cardiovascular disorders in the literature. This variant has not been identified in the general population by the Genome Aggregation Database (gnomAD). The available evidence is insufficient to determine the role of this variant in disease conclusively. Therefore, this variant is classified as a Variant of Uncertain Significance.

This study involves interpretation of variants in research participants for the purpose of population health screening. Participant phenotype was not available at the time of variant classification. Additional details can be found in publication PMID: 35346344, PMCID: PMC8962531

Blueprint Genetics
Classification: Uncertain significance. Last evaluated: 2023-09-13. Review status: criteria provided, single submitter. Criteria: ACMG Guidelines, 2015. Collection method: clinical testing. Allele origin: germline.

NM_001035.3(RYR2):c.4604C>T (p.Pro1535Leu)

Gene: RYR2 (ryanodine receptor 2; plus strand). Cytogenetic location: 1q43.
Variant type: single nucleotide variant.
Coding change: c.4604C>T on transcript NM_001035.3 (MANE Select); coding-DNA position 4604, C replaced by T.
Protein change: p.Pro1535Leu; replaces proline 1535 with leucine.
Molecular consequence: missense variant.
Genome position (GRCh38, 1-based): chr1:237,602,032, C>T. VCF-style: chr1-237602032-C-T. GRCh37 (hg19) VCF-style: chr1-237765332-C-T.
Other names: short protein forms P1535L.
Identifiers: ClinVar variation 926940 (VCV000926940.15), dbSNP rs973392998, ClinGen allele CA39815797.